The following is an entry in ClinVar:

NM_001128205.2(SULF1):c.1061+4C>T

Gene: SULF1 (sulfatase 1; plus strand). Cytogenetic location: 8q13.3.
Variant type: single nucleotide variant.
Coding change: c.1061+4C>T on transcript NM_001128205.2 (MANE Select); 4 bases into the intron after coding-DNA position 1061, C replaced by T.
Molecular consequence: intron variant.
Genome position (GRCh38, 1-based): chr8:69,601,833, C>T. VCF-style: chr8-69601833-C-T. GRCh37 (hg19) VCF-style: chr8-70514068-C-T.
Other names: c.1061+4C>T (NM_015170.3, NM_001128204.2, NM_001128206.2).
Identifiers: ClinVar variation 1922020 (VCV001922020.5), dbSNP rs1046228570, ClinGen allele CA178283157.

ClinVar aggregate classification (germline): Uncertain significance (1 of 4 stars; one submission).

Allele frequency attached by ClinVar (database versions not stated): TOPMed 0.00001; gnomAD 0.00005; gnomAD exomes 0.00005.
gnomAD v4.1: 74 of 1,599,282 alleles (0.0046%); highest among the groups gnomAD compares: Non-Finnish European, 0.0056%; no homozygotes.

Submission:

Labcorp Genetics (formerly Invitae), Labcorp
Classification: Uncertain significance. Last evaluated: 2023-07-07. Review status: criteria provided, single submitter. Criteria: Invitae Variant Classification Sherloc (09022015). Collection method: clinical testing. Allele origin: germline.
Comment: ClinVar contains an entry for this variant (Variation ID: 1922020). This variant has not been reported in the literature in individuals affected with SULF1-related conditions. This variant is present in population databases (no rsID available, gnomAD 0.005%). This sequence change falls in intron 10 of the SULF1 gene. It does not directly change the encoded amino acid sequence of the SULF1 protein. It affects a nucleotide within the consensus splice site. Variants that disrupt the consensus splice site are a relatively common cause of aberrant splicing (PMID: 17576681, 9536098). Algorithms developed to predict the effect of sequence changes on RNA splicing suggest that this variant is not likely to affect RNA splicing. In summary, the available evidence is currently insufficient to determine the role of this variant in disease. Therefore, it has been classified as a Variant of Uncertain Significance.

Literature cited by the submitters: PubMed 17576681; PubMed 9536098.